The following is an entry in ClinVar:

NM_021969.3(NR0B2):c.376C>G (p.Pro126Ala)

Genes: NR0B2 (nuclear receptor subfamily 0 group B member 2; minus strand), NUDC (nuclear distribution C, dynein complex regulator; plus strand). Cytogenetic location: 1p36.11.
Variant type: single nucleotide variant.
Coding change: c.376C>G on transcript NM_021969.3 (MANE Select); coding-DNA position 376, C replaced by G.
Protein change: p.Pro126Ala; replaces proline 126 with alanine.
Molecular consequence: missense variant.
Genome position (GRCh38, 1-based): chr1:26,913,565, G>C on the plus strand (C>G on the coding strand, the complement: NR0B2 is on the minus strand). VCF-style: chr1-26913565-G-C. GRCh37 (hg19) VCF-style: chr1-27240056-G-C.
Other names: short protein forms P126A.
Identifiers: ClinVar variation 3352029 (VCV003352029.1).

ClinVar aggregate classification (germline): Uncertain significance (0 of 4 stars; one submission).

Conditions:
NR0B2-related disorder. Also called: NR0B2-related condition.

gnomAD v4.1: 16 of 1,614,132 alleles (0.00099%); highest among the groups gnomAD compares: African/African-American, 0.017%; no homozygotes.

Submission:

PreventionGenetics, part of Exact Sciences
Classification: Uncertain significance for NR0B2-related condition. Last evaluated: 2024-03-04. Review status: no assertion criteria provided. Collection method: clinical testing. Allele origin: germline.
Comment: The NR0B2 c.376C>G variant is predicted to result in the amino acid substitution p.Pro126Ala. To our knowledge, this variant has not been reported in the literature. This variant is reported in 0.020% of alleles in individuals of African descent in gnomAD. At this time, the clinical significance of this variant is uncertain due to the absence of conclusive functional and genetic evidence.